The following is an entry in ClinVar:

ClinVar aggregate classification (germline): Benign/Likely benign. Review status: criteria provided, multiple submitters, no conflicts (2 of 4 stars). 2 submissions from 2 submitters: Benign (1); Likely benign (1). Last evaluated 2026-07-10.

Conditions:
Familial adenomatous polyposis 1 (FAP1). Also called: FAMILIAL ADENOMATOUS POLYPOSIS 1, ATTENUATED; POLYPOSIS, ADENOMATOUS INTESTINAL. Identifiers: MedGen C2713442, MONDO:0021056, OMIM 175100. Disease mechanism: loss of function.
Hereditary cancer-predisposing syndrome. Also called: Tumor predisposition; Hereditary Cancer Syndrome; Neoplastic Syndromes, Hereditary; Hereditary neoplastic syndrome. Identifiers: Orphanet 140162, MedGen C0027672, MeSH D009386, MONDO:0015356.

Submissions (2):

Ambry Genetics
Classification: Likely benign for Hereditary cancer-predisposing syndrome. Last evaluated: 2026-07-10. Review status: criteria provided, single submitter. Criteria: Ambry Variant Classification Scheme 2023. Collection method: clinical testing. Allele origin: germline.

Myriad Genetics, Inc.
Classification: Benign for Familial adenomatous polyposis 1. Last evaluated: 2024-02-29. Review status: criteria provided, single submitter. Criteria: Myriad Autosomal Dominant, Autosomal Recessive and X-Linked Classification Criteria (2023). Collection method: clinical testing. Allele origin: unknown.
Comment: This variant is considered benign. This variant is a silent/synonymous amino acid change and it is not expected to impact splicing.

NM_000038.6(APC):c.1107G>A (p.Leu369=)

Gene: APC (APC regulator of Wnt signaling pathway; plus strand). Cytogenetic location: 5q22.2.
Variant type: single nucleotide variant.
Coding change: c.1107G>A on transcript NM_000038.6 (MANE Select); coding-DNA position 1107, G replaced by A.
Protein change: p.Leu369=; no amino-acid change (leucine 369 retained).
Molecular consequence: synonymous variant. On other transcripts: non-coding transcript variant (2), intron variant (15).
Genome position (GRCh38, 1-based): chr5:112,819,139, G>A. VCF-style: chr5-112819139-G-A. GRCh37 (hg19) VCF-style: chr5-112154836-G-A.
Other names: c.1107G>A (NM_000038.5); c.1107G>A, p.Leu369= (NM_001127510.3, NM_001354895.2, NM_001354896.2 and 4 more transcripts); c.1053G>A, p.Leu351= (NM_001127511.3); c.1137G>A, p.Leu379= (NM_001354897.2, NM_001407446.1); c.1032G>A, p.Leu344= (NM_001354898.2, NM_001407451.1); c.1023G>A, p.Leu341= (NM_001354899.2, NM_001407452.1); c.930G>A, p.Leu310= (NM_001354900.2, NM_001354901.2, NM_001407453.1); c.258G>A, p.Leu86= (NM_001354906.2, NM_001407470.1); and 6 more.
Identifiers: ClinVar variation 3148279 (VCV003148279.2), dbSNP rs2149781246, ClinGen allele CA445960277.